The following is an entry in ClinVar:

NM_001040108.2(MLH3):c.749A>G (p.Gln250Arg)

Gene: MLH3 (mutL homolog 3; minus strand). Cytogenetic location: 14q24.3.
Variant type: single nucleotide variant.
Coding change: c.749A>G on transcript NM_001040108.2 (MANE Select); coding-DNA position 749, A replaced by G.
Protein change: p.Gln250Arg; replaces glutamine 250 with arginine.
Molecular consequence: missense variant.
Genome position (GRCh38, 1-based): chr14:75,048,907, T>C on the plus strand (A>G on the coding strand, the complement: MLH3 is on the minus strand). VCF-style: chr14-75048907-T-C. GRCh37 (hg19) VCF-style: chr14-75515610-T-C.
Other names: c.749A>G, p.Gln250Arg (NM_014381.3); short protein forms Q250R.
Identifiers: ClinVar variation 2165056 (VCV002165056.4), dbSNP rs2503317887, ClinGen allele CA390449262.

ClinVar aggregate classification (germline): Uncertain significance (1 of 4 stars; one submission).

Conditions:
Colorectal cancer, hereditary nonpolyposis, type 7. Identifiers: Orphanet 144, MedGen C1858380, MONDO:0013725, OMIM 614385.

Submission:

Labcorp Genetics (formerly Invitae), Labcorp
Classification: Uncertain significance for Colorectal cancer, hereditary nonpolyposis, type 7. Last evaluated: 2022-02-10. Review status: criteria provided, single submitter. Criteria: Invitae Variant Classification Sherloc (09022015). Collection method: clinical testing. Allele origin: germline.
Comment: In summary, the available evidence is currently insufficient to determine the role of this variant in disease. Therefore, it has been classified as a Variant of Uncertain Significance. Algorithms developed to predict the effect of missense changes on protein structure and function are either unavailable or do not agree on the potential impact of this missense change (SIFT: "Deleterious"; PolyPhen-2: "Probably Damaging"; Align-GVGD: "Class C0"). This variant has not been reported in the literature in individuals affected with MLH3-related conditions. This variant is not present in population databases (gnomAD no frequency). This sequence change replaces glutamine, which is neutral and polar, with arginine, which is basic and polar, at codon 250 of the MLH3 protein (p.Gln250Arg).